The following is an entry in ClinVar:

NM_178424.2(SOX30):c.2234A>T (p.Glu745Val)

Gene: SOX30 (SRY-box transcription factor 30; minus strand). Cytogenetic location: 5q33.3.
Variant type: single nucleotide variant.
Coding change: c.2234A>T on transcript NM_178424.2 (MANE Select); coding-DNA position 2234, A replaced by T.
Protein change: p.Glu745Val; replaces glutamic acid 745 with valine.
Molecular consequence: missense variant. On other transcripts: 3 prime UTR variant (1).
Genome position (GRCh38, 1-based): chr5:157,626,368, T>A on the plus strand (A>T on the coding strand, the complement: SOX30 is on the minus strand). VCF-style: chr5-157626368-T-A. GRCh37 (hg19) VCF-style: chr5-157053376-T-A.
Other names: p.Glu745Val; c.1319A>T, p.Glu440Val (NM_001308165.2); c.*235A>T (NM_007017.3); short protein forms E440V, E745V.
Identifiers: ClinVar variation 2573119 (VCV002573119.2), dbSNP rs2479978148, ClinGen allele CA361989774.

ClinVar aggregate classification (germline): Uncertain significance (1 of 4 stars; one submission).

Submission:

Foundation for Research in Genetics and Endocrinology, FRIGE's Institute of Human Genetics
Classification: Uncertain significance. Review status: criteria provided, single submitter. Criteria: ACMG Guidelines, 2015. Collection method: clinical testing. Allele origin: germline. Inheritance: Autosomal recessive inheritance. Affected: yes.
Comment: A heterozygous missense variation in exon 5 of the SOX30 gene that results in the amino acid substitution of Valine for glutamine at codon 745 was detected. The variant has not been detected in the 1000 genomes and gnomAD databases. The in silico prediction of the variant is damaging by PolyPhen2, MutationTaster, SIFT, REVEL and CADD. The reference codon is conserved across species. In summary, the variant meets our criteria to be classified as a variant of uncertain significance.